The following is an entry in ClinVar:

ClinVar aggregate classification (germline): Pathogenic (1 of 4 stars; one submission).

Conditions:
Multiple endocrine neoplasia, type 1 (MEN1). Also called: Endocrine adenomatosis multiple; MEN 1; MEA I; MEN I; WERMER SYNDROME. Identifiers: Orphanet 652, MedGen C0025267, MeSH D018761, MONDO:0007540, OMIM 131100.

Submission:

Labcorp Genetics (formerly Invitae), Labcorp
Classification: Pathogenic for Multiple endocrine neoplasia, type 1. Last evaluated: 2022-12-08. Review status: criteria provided, single submitter. Criteria: Invitae Variant Classification Sherloc (09022015). Collection method: clinical testing. Allele origin: germline.
Comment: This sequence change creates a premature translational stop signal (p.Tyr321Leufs*46) in the MEN1 gene. It is expected to result in an absent or disrupted protein product. Loss-of-function variants in MEN1 are known to be pathogenic (PMID: 12112656, 17853334). This variant is not present in population databases (gnomAD no frequency). This premature translational stop signal has been observed in individual(s) with multiple endocrine neoplasia type 1 (PMID: 12166655). For these reasons, this variant has been classified as Pathogenic.

Literature cited by the submitters: PubMed 12112656; PubMed 17853334; PubMed 12166655.

NM_001370259.2(MEN1):c.960dup (p.Tyr321fs)

Gene: MEN1 (menin 1; minus strand). Cytogenetic location: 11q13.1.
Variant type: Duplication.
Coding change: c.960dup on transcript NM_001370259.2 (MANE Select); coding-DNA position 960, one base duplicated (C; older notation c.960dupC).
Protein change: p.Tyr321fs; shifts the reading frame from tyrosine 321.
Molecular consequence: frameshift variant. On other transcripts: non-coding transcript variant (4).
Genome position (GRCh38, 1-based): chr11:64,806,321, G duplicated on the plus strand (C on the coding strand, the reverse complement: MEN1 is on the minus strand); the first of 4 consecutive G bases (chr11:64,806,321-64,806,324); duplicating any one gives the same sequence. VCF-style (leftmost placement, unchanged base first): chr11-64806320-A-AG. GRCh37 (hg19) VCF-style: chr11-64573792-A-AG.
Other names: c.855dup, p.Tyr286fs (NM_001407151.1, NM_001407148.1, NM_001407149.1 and 2 more transcripts); c.960dup, p.Tyr321fs (NM_001407152.1, NM_130799.3, NM_001407142.1 and 7 more transcripts); c.975dup, p.Tyr326fs (NM_130800.3, NM_130801.3, NM_130802.3 and 5 more transcripts); short protein forms Y321fs, Y326fs, Y286fs.
Identifiers: ClinVar variation 2735653 (VCV002735653.3), dbSNP rs2497175277, ClinGen allele CA2695214655.